The following is an entry in ClinVar:

NM_001276270.2(MBD4):c.935_939del (p.Lys312fs)

Gene: MBD4 (methyl-CpG binding domain 4, DNA glycosylase; minus strand). Cytogenetic location: 3q21.3.
Variant type: Deletion.
Coding change: c.935_939del on transcript NM_001276270.2 (MANE Select); coding-DNA positions 935 to 939, 5 bases deleted (AAAAA; older notation c.935_939delAAAAA).
Protein change: p.Lys312fs; shifts the reading frame from lysine 312.
Molecular consequence: frameshift variant. On other transcripts: intron variant (1).
Genome position (GRCh38, 1-based): chr3:129,436,705-129,436,709, TTTTT deleted on the plus strand (AAAAA on the coding strand, the reverse complement: MBD4 is on the minus strand); deleting any 5 consecutive bases within chr3:129,436,705-129,436,714 gives the same sequence; the c. name uses the placement nearest the transcript's 3' end. VCF-style (leftmost placement, unchanged base first): chr3-129436704-CTTTTT-C. GRCh37 (hg19) VCF-style: chr3-129155547-CTTTTT-C.
Other names: c.935_939del, p.Lys312fs (NM_001276271.2, NM_001276272.2, NM_003925.3); c.247+1099_247+1103del (NM_001276273.2); c.935_939delAAAAA (NM_001276270.2); short protein forms K312fs.
Identifiers: ClinVar variation 4624372 (VCV004624372.2).
Genomic context (GRCh38, chr3:129,436,704, plus strand): 5'-TTATGATGCCAGAAGTTTTTTGTTCAGAACAAAAATTTGATCCTGAACTCAATGATCTTT[CTTTTT>C]TTTTTACAAGGCTGTTTTCTTCACTGGTCACACTGAGGGTCTCACCACATGCTCCAGCAT-3'

ClinVar aggregate classification (germline): Pathogenic. Review status: criteria provided, multiple submitters, no conflicts (2 of 4 stars). 2 submissions from 2 submitters: Pathogenic (2). Last evaluated 2025-09-18.

Conditions:
Inborn genetic diseases. Identifiers: MedGen C0950123, MeSH D030342.

Submissions (2):

Ambry Genetics
Classification: Pathogenic for Inborn genetic diseases. Last evaluated: 2025-09-18. Review status: criteria provided, single submitter. Criteria: Ambry Variant Classification Scheme 2023. Collection method: clinical testing. Allele origin: germline.
Comment: The c.935_939delAAAAA pathogenic mutation, located in coding exon 3 of the MBD4 gene, results from a deletion of 5 nucleotides at nucleotide positions 935 to 939, causing a translational frameshift with a predicted alternate stop codon (p.K312Rfs*13). This variant is considered to be rare based on population cohorts in the Genome Aggregation Database (gnomAD). This alteration is expected to result in loss of function by premature protein truncation or nonsense-mediated mRNA decay. As such, this alteration is interpreted as a disease-causing mutation.

Labcorp Genetics (formerly Invitae), Labcorp
Classification: Pathogenic. Last evaluated: 2025-09-04. Review status: criteria provided, single submitter. Criteria: Invitae Variant Classification Sherloc (09022015). Collection method: clinical testing. Allele origin: germline.
Comment: This sequence change creates a premature translational stop signal (p.Lys312Argfs*13) in the MBD4 gene. It is expected to result in an absent or disrupted protein product. Loss-of-function variants in MBD4 are known to be pathogenic (PMID: 30049810, 35460607). This variant is not present in population databases (gnomAD no frequency). This variant has not been reported in the literature in individuals affected with MBD4-related conditions. For these reasons, this variant has been classified as Pathogenic.

Literature cited by the submitters: PubMed 30049810 (cited by Labcorp Genetics (formerly Invitae), Labcorp); PubMed 35460607 (cited by Labcorp Genetics (formerly Invitae), Labcorp).